The following is an entry in ClinVar:

ClinVar aggregate classification (germline): Benign/Likely benign. Review status: criteria provided, multiple submitters, no conflicts (2 of 4 stars). 3 submissions from 3 submitters: Benign (1); Likely benign (1). 1 of the submissions does not count toward it. Last evaluated 2025-07-07.

Conditions:
Inborn genetic diseases. Identifiers: MedGen C0950123, MeSH D030342.
ZC4H2-related disorder. Also called: ZC4H2-related condition.

Allele frequency attached by ClinVar (database versions not stated): gnomAD exomes 0.00002; ExAC 0.00008; 1000 Genomes Project 30x 0.00021; TOPMed 0.00023; 1000 Genomes Project 0.00026; gnomAD 0.00029; ESP Exome Variant Server 0.00047.
gnomAD v4.1: 54 of 1,208,228 alleles (0.0045%); highest among the groups gnomAD compares: African/African-American, 0.088%; no homozygotes.

Submissions (3):

Labcorp Genetics (formerly Invitae), Labcorp
Classification: Benign. Last evaluated: 2025-07-07. Review status: criteria provided, single submitter. Criteria: Invitae Variant Classification Sherloc (09022015). Collection method: clinical testing. Allele origin: germline.

Ambry Genetics
Classification: Likely benign for Inborn genetic diseases. Last evaluated: 2018-01-24. Review status: criteria provided, single submitter. Criteria: Ambry Variant Classification Scheme 2023. Collection method: clinical testing. Allele origin: germline.

PreventionGenetics, part of Exact Sciences
Classification: Likely benign for ZC4H2-related condition. Last evaluated: 2019-03-26. Review status: no assertion criteria provided. Collection method: clinical testing. Allele origin: germline. Not counted in ClinVar's aggregate classification.
Comment: This variant is classified as likely benign based on ACMG/AMP sequence variant interpretation guidelines (Richards et al. 2015 PMID: 25741868, with internal and published modifications).

NM_018684.4(ZC4H2):c.204G>T (p.Leu68=)

Gene: ZC4H2 (zinc finger C4H2-type containing; minus strand). Cytogenetic location: Xq11.2.
Variant type: single nucleotide variant.
Coding change: c.204G>T on transcript NM_018684.4 (MANE Select); coding-DNA position 204, G replaced by T.
Protein change: p.Leu68=; no amino-acid change (leucine 68 retained).
Molecular consequence: synonymous variant. On other transcripts: non-coding transcript variant (1).
Genome position (GRCh38, 1-based): chrX:64,921,838, C>A on the plus strand (G>T on the coding strand, the complement: ZC4H2 is on the minus strand). VCF-style: chrX-64921838-C-A. GRCh37 (hg19) VCF-style: chrX-64141718-C-A.
Other names: c.135G>T, p.Leu45= (NM_001178032.3, NM_001243804.2); c.204G>T, p.Leu68= (NM_001178033.3).
Identifiers: ClinVar variation 1785046 (VCV001785046.5), dbSNP rs139208678, ClinGen allele CA10433474.